The following is an entry in ClinVar:

NM_032578.4(MYPN):c.3824T>C (p.Met1275Thr)

Gene: MYPN (myopalladin; plus strand). Cytogenetic location: 10q21.3.
Variant type: single nucleotide variant.
Coding change: c.3824T>C on transcript NM_032578.4 (MANE Select); coding-DNA position 3824, T replaced by C.
Protein change: p.Met1275Thr; replaces methionine 1275 with threonine.
Molecular consequence: missense variant. On other transcripts: non-coding transcript variant (2).
Genome position (GRCh38, 1-based): chr10:68,210,316, T>C. VCF-style: chr10-68210316-T-C. GRCh37 (hg19) VCF-style: chr10-69970073-T-C.
Other names: c.3824T>C, p.Met1275Thr (NM_001256267.2); c.2942T>C, p.Met981Thr (NM_001256268.2); c.3824T>C (NM_032578.2); short protein forms M1275T, M981T.
Identifiers: ClinVar variation 1024938 (VCV001024938.11), dbSNP rs370197106, ClinGen allele CA5523172.
Genomic context (GRCh38, chr10:68,210,316, plus strand): 5'-TCATAACACATTATTTGGTCCATTTTCCAGCTCAGTGGCACCATCAGATCCCACCGCCCA[T>C]GTCTGTCCGGCCCAGTGGCAGTCGCTACGGATCTCTCACCAGTAAAGGACTTGACATATT-3'
Protein context (NP_115967.2, residues 1265-1285): AQWHHQIPPP[Met1275Thr]SVRPSGSRYG

ClinVar aggregate classification (germline): Uncertain significance. Review status: criteria provided, multiple submitters, no conflicts (2 of 4 stars). 3 submissions from 3 submitters: Uncertain significance (3). Last evaluated 2026-04-01.

Conditions:
Dilated cardiomyopathy 1KK (CMD1KK). Identifiers: Orphanet 154, Orphanet 75249, MedGen C3714995, MONDO:0014100, OMIM 615248.
Cardiovascular phenotype. Identifiers: MedGen CN230736.

Allele frequency attached by ClinVar (database versions not stated): TOPMed 0.00001; ExAC 0.00002; ESP Exome Variant Server 0.00008.

Submissions (3):

CeGaT Center for Human Genetics Tuebingen
Classification: Uncertain significance. Last evaluated: 2026-04-01. Review status: criteria provided, single submitter. Criteria: CeGaT Center For Human Genetics Tuebingen Variant Classification Criteria Version 2. Collection method: clinical testing. Allele origin: germline. Affected: yes. Observed: 1 variant allele.
Comment: MYPN: PM2, BP4

Ambry Genetics
Classification: Uncertain significance for Cardiovascular phenotype. Last evaluated: 2025-05-03. Review status: criteria provided, single submitter. Criteria: Ambry Variant Classification Scheme 2023. Collection method: clinical testing. Allele origin: germline.
Comment: The p.M1275T variant (also known as c.3824T>C), located in coding exon 19 of the MYPN gene, results from a T to C substitution at nucleotide position 3824. The methionine at codon 1275 is replaced by threonine, an amino acid with similar properties. This amino acid position is conserved. In addition, this alteration is predicted to be tolerated by in silico analysis. Based on the available evidence, the clinical significance of this variant remains unclear.

Labcorp Genetics (formerly Invitae), Labcorp
Classification: Uncertain significance for Dilated cardiomyopathy 1KK. Last evaluated: 2022-10-17. Review status: criteria provided, single submitter. Criteria: Invitae Variant Classification Sherloc (09022015). Collection method: clinical testing. Allele origin: germline.
Comment: Algorithms developed to predict the effect of missense changes on protein structure and function (SIFT, PolyPhen-2, Align-GVGD) all suggest that this variant is likely to be tolerated. In summary, the available evidence is currently insufficient to determine the role of this variant in disease. Therefore, it has been classified as a Variant of Uncertain Significance. ClinVar contains an entry for this variant (Variation ID: 1024938). This variant has not been reported in the literature in individuals affected with MYPN-related conditions. This variant is present in population databases (rs370197106, gnomAD 0.002%). This sequence change replaces methionine, which is neutral and non-polar, with threonine, which is neutral and polar, at codon 1275 of the MYPN protein (p.Met1275Thr).